The following is an entry in ClinVar:

NM_001164277.2(SLC37A4):c.872-15_872-9dup

Gene: SLC37A4 (solute carrier family 37 member 4; minus strand). Cytogenetic location: 11q23.3.
Variant type: Duplication.
Coding change: c.872-15_872-9dup on transcript NM_001164277.2 (MANE Select); 15 bases into the intron before coding-DNA position 872 through 9 bases into the intron before coding-DNA position 872, 7 bases duplicated (GGACTGT; older notation c.872-15_872-9dupGGACTGT).
Molecular consequence: intron variant.
Genome position (GRCh38, 1-based): chr11:119,026,089-119,026,095, ACAGTCC duplicated on the plus strand (GGACTGT on the coding strand, the reverse complement: SLC37A4 is on the minus strand). VCF-style (leftmost placement, unchanged base first): chr11-119026088-T-TACAGTCC. GRCh37 (hg19) VCF-style: chr11-118896798-T-TACAGTCC.
Other names: c.653-15_653-9dup (NM_001164279.2); c.872-15_872-9dup (NM_001467.6, NM_001164278.2, NM_001164280.2).
Identifiers: ClinVar variation 552708 (VCV000552708.11), dbSNP rs782321213, ClinGen allele CA6311698.

ClinVar aggregate classification (germline): Likely benign. Review status: criteria provided, multiple submitters, no conflicts (2 of 4 stars). 3 submissions from 3 submitters: Likely benign (2). 1 of the submissions does not count toward it. Last evaluated 2026-01-07.

Conditions:
SLC37A4-related disorder. Also called: SLC37A4-related condition.
Glucose-6-phosphate transport defect (GSD1B). Also called: Glycogen Storage Disease Type Ib; GSD Ib. Identifiers: Orphanet 364, Orphanet 79259, MedGen C0268146, MONDO:0009288, OMIM 232220.

Allele frequency attached by ClinVar (database versions not stated): ExAC below 0.00001; gnomAD exomes 0.00001; TOPMed 0.00002.

Submissions (3):

PreventionGenetics, part of Exact Sciences
Classification: Likely benign for SLC37A4-related condition. Last evaluated: 2026-01-07. Review status: criteria provided, single submitter. Criteria: ACMG Guidelines, 2015. Collection method: clinical testing. Allele origin: germline.
Comment: This variant is classified as likely benign based on ACMG/AMP sequence variant interpretation guidelines (Richards et al. 2015 PMID: 25741868, with internal and published modifications).

Labcorp Genetics (formerly Invitae), Labcorp
Classification: Likely benign for Glucose-6-phosphate transport defect. Last evaluated: 2025-09-02. Review status: criteria provided, single submitter. Criteria: Invitae Variant Classification Sherloc (09022015). Collection method: clinical testing. Allele origin: germline.

Counsyl
Classification: Uncertain significance for Glucose-6-phosphate transport defect. Last evaluated: 2017-06-30. Review status: no assertion criteria provided. Collection method: clinical testing. Allele origin: unknown. Not counted in ClinVar's aggregate classification.